The following is an entry in ClinVar:

ClinVar aggregate classification (germline): Uncertain significance. Review status: criteria provided, multiple submitters, no conflicts (2 of 4 stars). 2 submissions from 2 submitters: Uncertain significance (2). Last evaluated 2026-01-23.

Conditions:
Pyogenic arthritis-pyoderma gangrenosum-acne syndrome (PAPA). Also called: FAMILIAL RECURRENT ARTHRITIS; PAPA SYNDROME. Identifiers: Orphanet 69126, MedGen C1858361, MONDO:0011462, OMIM 604416.

Allele frequency attached by ClinVar (database versions not stated): gnomAD exomes 0.00001 and 0.00004; TOPMed 0.00008; gnomAD 0.00009 and 0.00011.
gnomAD v4.1: 26 of 1,561,670 alleles (0.0017%); highest among the groups gnomAD compares: Admixed American, 0.04%; no homozygotes.

Submissions (2):

Women's Health and Genetics/Laboratory Corporation of America, LabCorp
Classification: Uncertain significance. Last evaluated: 2026-01-23. Review status: criteria provided, single submitter. Criteria: LabCorp Variant Classification Summary - May 2015. Collection method: clinical testing. Allele origin: germline.

Labcorp Genetics (formerly Invitae), Labcorp
Classification: Uncertain significance for Pyogenic arthritis-pyoderma gangrenosum-acne syndrome. Last evaluated: 2026-01-11. Review status: criteria provided, single submitter. Criteria: Invitae Variant Classification Sherloc (09022015). Collection method: clinical testing. Allele origin: germline.
Comment: This sequence change affects codon 172 of the PSTPIP1 mRNA. It is a 'silent' change, meaning that it does not change the encoded amino acid sequence of the PSTPIP1 protein. This variant also falls at the last nucleotide of exon 7, which is part of the consensus splice site for this exon. This variant is present in population databases (no rsID available, gnomAD 0.02%). This variant has not been reported in the literature in individuals affected with PSTPIP1-related conditions. ClinVar contains an entry for this variant (Variation ID: 1011658). Variants that disrupt the consensus splice site are a relatively common cause of aberrant splicing (PMID: 17576681, 9536098). Algorithms developed to predict the effect of sequence changes on RNA splicing suggest that this variant may disrupt the consensus splice site. In summary, the available evidence is currently insufficient to determine the role of this variant in disease. Therefore, it has been classified as a Variant of Uncertain Significance.

Literature cited by the submitters: PubMed 17576681 (cited by Labcorp Genetics (formerly Invitae), Labcorp); PubMed 9536098 (cited by Labcorp Genetics (formerly Invitae), Labcorp).

NM_003978.5(PSTPIP1):c.516G>A (p.Lys172=)

Gene: PSTPIP1 (proline-serine-threonine phosphatase interacting protein 1; plus strand). Cytogenetic location: 15q24.3.
Variant type: single nucleotide variant.
Coding change: c.516G>A on transcript NM_003978.5 (MANE Select); coding-DNA position 516, G replaced by A.
Protein change: p.Lys172=; no amino-acid change (lysine 172 retained).
Molecular consequence: synonymous variant. On other transcripts: non-coding transcript variant (1).
Genome position (GRCh38, 1-based): chr15:77,028,652, G>A. VCF-style: chr15-77028652-G-A. GRCh37 (hg19) VCF-style: chr15-77320993-G-A.
Other names: c.516G>A, p.Lys172= (NM_001321135.2); c.489G>A, p.Lys163= (NM_001321136.2); c.711G>A, p.Lys237= (NM_001321137.1).
Identifiers: ClinVar variation 1011658 (VCV001011658.7), dbSNP rs887917369, ClinGen allele CA273755469.